The following is an entry in ClinVar:

NM_004168.4(SDHA):c.1736T>C (p.Ile579Thr)

Gene: SDHA (succinate dehydrogenase complex flavoprotein subunit A; plus strand). Cytogenetic location: 5p15.33.
Variant type: single nucleotide variant.
Coding change: c.1736T>C on transcript NM_004168.4 (MANE Select); coding-DNA position 1736, T replaced by C.
Protein change: p.Ile579Thr; replaces isoleucine 579 with threonine.
Molecular consequence: missense variant. On other transcripts: intron variant (1).
Genome position (GRCh38, 1-based): chr5:251,410, T>C. VCF-style: chr5-251410-T-C. GRCh37 (hg19) VCF-style: chr5-251525-T-C.
Other names: c.1592T>C, p.Ile531Thr (NM_001294332.2); c.1552-2983T>C (NM_001330758.2); c.1736T>C (NM_004168.2); short protein forms I579T, I531T.
Identifiers: ClinVar variation 649206 (VCV000649206.12), dbSNP rs1323205068, ClinGen allele CA359000189.

ClinVar aggregate classification (germline): Uncertain significance. Review status: criteria provided, multiple submitters, no conflicts (2 of 4 stars). 2 submissions from 2 submitters: Uncertain significance (2). Last evaluated 2025-10-22.

Conditions:
Pheochromocytoma/paraganglioma syndrome 5. Also called: Paragangliomas 5; SDHA-Related Hereditary Paraganglioma-Pheochromocytoma Syndrome. Identifiers: Orphanet 29072, MedGen C3279992, MONDO:0013602, OMIM 614165.
Mitochondrial complex II deficiency, nuclear type 1. Also called: SUCCINATE CoQ REDUCTASE DEFICIENCY. Identifiers: Orphanet 3208, MedGen C5700310, MONDO:0100294, OMIM 252011.
Hereditary cancer-predisposing syndrome. Also called: Tumor predisposition; Neoplastic Syndromes, Hereditary; Hereditary Cancer Syndrome; Hereditary neoplastic syndrome. Identifiers: Orphanet 140162, MedGen C0027672, MeSH D009386, MONDO:0015356.

Allele frequency attached by ClinVar (database versions not stated): gnomAD exomes below 0.00001.
gnomAD v4.1: 2 of 1,613,870 alleles (0.00012%); highest among the groups gnomAD compares: East Asian, 0.0045%; no homozygotes.

Submissions (2):

Ambry Genetics
Classification: Uncertain significance for Hereditary cancer-predisposing syndrome. Last evaluated: 2025-10-22. Review status: criteria provided, single submitter. Criteria: Ambry Variant Classification Scheme 2023. Collection method: clinical testing. Allele origin: germline.
Comment: The p.I579T variant (also known as c.1736T>C), located in coding exon 13 of the SDHA gene, results from a T to C substitution at nucleotide position 1736. The isoleucine at codon 579 is replaced by threonine, an amino acid with similar properties. This amino acid position is conserved. In addition, this alteration is predicted to be deleterious by in silico analysis. Based on the available evidence, the clinical significance of this variant remains unclear.

Labcorp Genetics (formerly Invitae), Labcorp
Classification: Uncertain significance for Pheochromocytoma/paraganglioma syndrome 5; Mitochondrial complex II deficiency, nuclear type 1. Last evaluated: 2025-10-18. Review status: criteria provided, single submitter. Criteria: Invitae Variant Classification Sherloc (09022015). Collection method: clinical testing. Allele origin: germline.
Comment: This sequence change replaces isoleucine, which is neutral and non-polar, with threonine, which is neutral and polar, at codon 579 of the SDHA protein (p.Ile579Thr). This variant is present in population databases (no rsID available, gnomAD 0.006%). This variant has not been reported in the literature in individuals affected with SDHA-related conditions. ClinVar contains an entry for this variant (Variation ID: 649206). Invitae Evidence Modeling of protein sequence and biophysical properties (such as structural, functional, and spatial information, amino acid conservation, physicochemical variation, residue mobility, and thermodynamic stability) indicates that this missense variant is not expected to disrupt SDHA protein function with a negative predictive value of 95%. In summary, the available evidence is currently insufficient to determine the role of this variant in disease. Therefore, it has been classified as a Variant of Uncertain Significance.